The following is an entry in ClinVar:

NM_004260.4(RECQL4):c.1270G>C (p.Asp424His)

Gene: RECQL4 (RecQ like helicase 4; minus strand). Cytogenetic location: 8q24.3.
Variant type: single nucleotide variant.
Coding change: c.1270G>C on transcript NM_004260.4 (MANE Select); coding-DNA position 1270, G replaced by C.
Protein change: p.Asp424His; replaces aspartic acid 424 with histidine.
Molecular consequence: missense variant.
Genome position (GRCh38, 1-based): chr8:144,515,446, C>G on the plus strand (G>C on the coding strand, the complement: RECQL4 is on the minus strand). VCF-style: chr8-144515446-C-G. GRCh37 (hg19) VCF-style: chr8-145740830-C-G.
Other names: short protein forms D424H.
Identifiers: ClinVar variation 845279 (VCV000845279.4), dbSNP rs765611938, ClinGen allele CA4948927.

ClinVar aggregate classification (germline): Uncertain significance. Review status: criteria provided, multiple submitters, no conflicts (2 of 4 stars). 2 submissions from 2 submitters: Uncertain significance (2). Last evaluated 2022-08-08.

Conditions:
Baller-Gerold syndrome (BGS). Also called: CRANIOSYNOSTOSIS WITH RADIAL DEFECTS. Identifiers: Orphanet 1225, MedGen C0265308, MONDO:0009039, OMIM 218600.
Inborn genetic diseases. Identifiers: MedGen C0950123, MeSH D030342.

gnomAD v4.1: 1 of 1,612,768 alleles (0.000062%); highest among the groups gnomAD compares: Non-Finnish European, 0.000085%; no homozygotes.

Submissions (2):

Ambry Genetics
Classification: Uncertain significance for Inborn genetic diseases. Last evaluated: 2022-08-08. Review status: criteria provided, single submitter. Criteria: Ambry Variant Classification Scheme 2023. Collection method: clinical testing. Allele origin: germline.

Labcorp Genetics (formerly Invitae), Labcorp
Classification: Uncertain significance for Baller-Gerold syndrome. Last evaluated: 2019-01-25. Review status: criteria provided, single submitter. Criteria: Invitae Variant Classification Sherloc (09022015). Collection method: clinical testing. Allele origin: germline.
Comment: This sequence change replaces aspartic acid with histidine at codon 424 of the RECQL4 protein (p.Asp424His). The aspartic acid residue is moderately conserved and there is a moderate physicochemical difference between aspartic acid and histidine. This variant is present in population databases (rs765611938, ExAC 0.002%). This variant has not been reported in the literature in individuals with RECQL4-related conditions. Algorithms developed to predict the effect of missense changes on protein structure and function are either unavailable or do not agree on the potential impact of this missense change (SIFT: Deleterious; PolyPhen-2: Possibly Damaging; Align-GVGD: Class C0). In summary, the available evidence is currently insufficient to determine the role of this variant in disease. Therefore, it has been classified as a Variant of Uncertain Significance.